The following is an entry in ClinVar:

ClinVar aggregate classification (germline): Uncertain significance. Review status: criteria provided, multiple submitters, no conflicts (2 of 4 stars). 2 submissions from 2 submitters: Uncertain significance (2). Last evaluated 2021-08-12.

Conditions:
RYR1-related disorder. Also called: RYR1-related disorders; RYR1-related condition. Identifiers: MedGen CN239331.
Malignant hyperthermia, susceptibility to, 1 (MHS1). Also called: Malignant hyperthermia suceptibility 1; RYR1-Related Malignant Hyperthermia Susceptibility; Anesthesia related hyperthermia; Malignant hyperpyrexia; Fulminating hyperpyrexia; Pharmacogenic myopathy. Identifiers: Orphanet 423, MedGen C2930980, MONDO:0007783, OMIM 145600.

Allele frequency attached by ClinVar (database versions not stated): TOPMed below 0.00001.

Submissions (2):

Labcorp Genetics (formerly Invitae), Labcorp
Classification: Uncertain significance for RYR1-related disorder. Last evaluated: 2021-08-12. Review status: criteria provided, single submitter. Criteria: Invitae Variant Classification Sherloc (09022015). Collection method: clinical testing. Allele origin: germline.
Comment: This sequence change replaces aspartic acid with asparagine at codon 942 of the RYR1 protein (p.Asp942Asn). The aspartic acid residue is highly conserved and there is a small physicochemical difference between aspartic acid and asparagine. This variant is not present in population databases (ExAC no frequency). This variant has not been reported in the literature in individuals affected with RYR1-related conditions. ClinVar contains an entry for this variant (Variation ID: 224378). Algorithms developed to predict the effect of missense changes on protein structure and function are either unavailable or do not agree on the potential impact of this missense change (SIFT: "Deleterious"; PolyPhen-2: "Possibly Damaging"; Align-GVGD: "Class C0"). In summary, the available evidence is currently insufficient to determine the role of this variant in disease. Therefore, it has been classified as a Variant of Uncertain Significance.

Biesecker Lab/Clinical Genomics Section, National Institutes of Health
Classification: Uncertain significance for Malignant hyperthermia, susceptibility to, 1. Last evaluated: 2013-07-01. Review status: criteria provided, single submitter. Criteria: Gonsalves et al. 2013. Collection method: research. Allele origin: unknown. Observed: 1 variant allele. Study: ClinSeq.
Comment: The study set was not selected for affection status in relation to any myopathy. Pathogenicity categories were based on literature curation. See Pubmed ID: 24195946 for details.

NM_000540.3(RYR1):c.2824G>A (p.Asp942Asn)

Gene: RYR1 (ryanodine receptor 1; plus strand). Cytogenetic location: 19q13.2.
Variant type: single nucleotide variant.
Coding change: c.2824G>A on transcript NM_000540.3 (MANE Select); coding-DNA position 2824, G replaced by A.
Protein change: p.Asp942Asn; replaces aspartic acid 942 with asparagine.
Molecular consequence: missense variant.
Genome position (GRCh38, 1-based): chr19:38,464,676, G>A. VCF-style: chr19-38464676-G-A. GRCh37 (hg19) VCF-style: chr19-38955316-G-A.
Other names: c.2824G>A, p.Asp942Asn (NM_001042723.2); short protein forms D942N.
Identifiers: ClinVar variation 224378 (VCV000224378.7), dbSNP rs869312736, ClinGen allele CA353454.